The following is an entry in ClinVar:

NM_006915.3(RP2):c.450G>T (p.Trp150Cys)

Gene: RP2 (RP2 activator of ARL3 GTPase; plus strand). Cytogenetic location: Xp11.3.
Variant type: single nucleotide variant.
Coding change: c.450G>T on transcript NM_006915.3 (MANE Select); coding-DNA position 450, G replaced by T.
Protein change: p.Trp150Cys; replaces tryptophan 150 with cysteine.
Molecular consequence: missense variant.
Genome position (GRCh38, 1-based): chrX:46,853,823, G>T. VCF-style: chrX-46853823-G-T. GRCh37 (hg19) VCF-style: chrX-46713258-G-T.
Other names: short protein forms W150C.
Identifiers: ClinVar variation 964697 (VCV000964697.9), dbSNP rs1924906177, ClinGen allele CA413039915.
Genomic context (GRCh38, chrX:46,853,823, plus strand): 5'-TTGTGCCACTCAACCCATCATTGAGTCTTCCTCAAATATCAAATTTGGATGTTTTCAATG[G>T]TACTATCCTGAATTAGCTTTCCAGTTCAAAGATGCAGGGCTAAGTATCTTCAACAATACA-3'
Protein context (NP_008846.2, residues 140-160): SSNIKFGCFQ[Trp150Cys]YYPELAFQFK

ClinVar aggregate classification (germline): Uncertain significance (1 of 4 stars; one submission).

Allele frequency attached by ClinVar (database versions not stated): TOPMed below 0.00001.

Submission:

Labcorp Genetics (formerly Invitae), Labcorp
Classification: Uncertain significance. Last evaluated: 2019-11-08. Review status: criteria provided, single submitter. Criteria: Invitae Variant Classification Sherloc (09022015). Collection method: clinical testing. Allele origin: germline.
Comment: Algorithms developed to predict the effect of missense changes on protein structure and function are either unavailable or do not agree on the potential impact of this missense change (SIFT: "Deleterious"; PolyPhen-2: "Benign"; Align-GVGD: "Class C35"). In summary, the available evidence is currently insufficient to determine the role of this variant in disease. Therefore, it has been classified as a Variant of Uncertain Significance. This variant has not been reported in the literature in individuals with RP2-related conditions. This variant is not present in population databases (ExAC no frequency). This sequence change replaces tryptophan with cysteine at codon 150 of the RP2 protein (p.Trp150Cys). The tryptophan residue is moderately conserved and there is a large physicochemical difference between tryptophan and cysteine.